The following is an entry in ClinVar:

NM_000532.5(PCCB):c.831C>A (p.Tyr277Ter)

Gene: PCCB (propionyl-CoA carboxylase subunit beta; plus strand). Cytogenetic location: 3q22.3.
Variant type: single nucleotide variant.
Coding change: c.831C>A on transcript NM_000532.5 (MANE Select); coding-DNA position 831, C replaced by A.
Protein change: p.Tyr277Ter; replaces tyrosine 277 with a stop codon.
Molecular consequence: nonsense.
Genome position (GRCh38, 1-based): chr3:136,298,019, C>A. VCF-style: chr3-136298019-C-A. GRCh37 (hg19) VCF-style: chr3-136016861-C-A.
Other names: c.891C>A, p.Tyr297Ter (NM_001178014.2); short protein forms Y277*, Y297*.
Identifiers: ClinVar variation 5014907 (VCV005014907.1).

ClinVar aggregate classification (germline): Pathogenic (1 of 4 stars; one submission).

Conditions:
Propionic acidemia (PROP). Also called: GLYCINEMIA, KETOTIC; HYPERGLYCINEMIA WITH KETOACIDOSIS AND LEUKOPENIA; KETOTIC HYPERGLYCINEMIA. Identifiers: Orphanet 35, MedGen C0268579, MONDO:0011628, OMIM 606054, HP:0003571.

Submission:

Myriad Genetics, Inc.
Classification: Pathogenic for Propionic acidemia. Last evaluated: 2025-08-23. Review status: criteria provided, single submitter. Criteria: Myriad Autosomal Dominant, Autosomal Recessive and X-Linked Classification Criteria (2023). Collection method: clinical testing. Allele origin: unknown.
Comment: NM_000532.4(PCCB):c.831C>A(Y277*) is expected to be pathogenic in the context of PCCB-related propionic acidemia. This variant is predicted to lead to an abnormal or absent protein product due to the creation of a premature termination codon in PCCB, a gene where loss-of-function variants are known to be pathogenic. Please note: this variant was assessed in the context of healthy population screening.